The following is an entry in ClinVar:

NM_000287.4(PEX6):c.2885T>C (p.Val962Ala)

Gene: PEX6 (peroxisomal biogenesis factor 6; minus strand). Cytogenetic location: 6p21.1.
Variant type: single nucleotide variant.
Coding change: c.2885T>C on transcript NM_000287.4 (MANE Select); coding-DNA position 2885, T replaced by C.
Protein change: p.Val962Ala; replaces valine 962 with alanine.
Molecular consequence: missense variant. On other transcripts: non-coding transcript variant (1).
Genome position (GRCh38, 1-based): chr6:42,964,393, A>G on the plus strand (T>C on the coding strand, the complement: PEX6 is on the minus strand). VCF-style: chr6-42964393-A-G. GRCh37 (hg19) VCF-style: chr6-42932131-A-G.
Other names: c.2621T>C, p.Val874Ala (NM_001316313.2); short protein forms V962A, V874A.
Identifiers: ClinVar variation 595755 (VCV000595755.15), dbSNP rs1361796630, ClinGen allele CA364149279.
Genomic context (GRCh38, chr6:42,964,393, plus strand): 5'-TCCTAGCAGGCAGCAAACTTGCGCTGGATGCGCTTGTACCGGAGCAGCTCCTGCTCACTG[A>G]CTGAGGGTTGCAGCCGGGCGGCAGCCTGCAGCAAGTCCTCCATGGTGAGCATCAGTGCTG-3'
Protein context (NP_000278.3, residues 952-972): LQAAARLQPS[Val962Ala]SEQELLRYKR

ClinVar aggregate classification (germline): Uncertain significance. Review status: criteria provided, multiple submitters, no conflicts (2 of 4 stars). 2 submissions from 2 submitters: Uncertain significance (2). Last evaluated 2022-07-09.

Conditions:
Peroxisome biogenesis disorder. Identifiers: Orphanet 79189, MedGen C1832200, MONDO:0019234. Disease mechanism: loss of function.

Allele frequency attached by ClinVar (database versions not stated): gnomAD exomes below 0.00001; TOPMed below 0.00001; gnomAD 0.00001.
gnomAD v4.1: 2 of 1,613,744 alleles (0.00012%); highest among the groups gnomAD compares: Admixed American, 0.0017%; no homozygotes.

Submissions (2):

Labcorp Genetics (formerly Invitae), Labcorp
Classification: Uncertain significance for Peroxisome biogenesis disorder. Last evaluated: 2022-07-09. Review status: criteria provided, single submitter. Criteria: Invitae Variant Classification Sherloc (09022015). Collection method: clinical testing. Allele origin: germline.
Comment: ClinVar contains an entry for this variant (Variation ID: 595755). This variant has not been reported in the literature in individuals affected with PEX6-related conditions. This variant is not present in population databases (gnomAD no frequency). This sequence change replaces valine, which is neutral and non-polar, with alanine, which is neutral and non-polar, at codon 962 of the PEX6 protein (p.Val962Ala). Algorithms developed to predict the effect of missense changes on protein structure and function are either unavailable or do not agree on the potential impact of this missense change (SIFT: "Deleterious"; PolyPhen-2: "Benign"; Align-GVGD: "Class C0"). In summary, the available evidence is currently insufficient to determine the role of this variant in disease. Therefore, it has been classified as a Variant of Uncertain Significance.

Eurofins Ntd Llc (ga)
Classification: Uncertain significance. Last evaluated: 2018-01-11. Review status: criteria provided, single submitter. Criteria: EGL Classification Definitions 2015. Collection method: clinical testing. Allele origin: germline. Observed: 1 variant allele, 1 heterozygote.